The following is an entry in ClinVar:

ClinVar aggregate classification (germline): Uncertain significance. Review status: criteria provided, multiple submitters, no conflicts (2 of 4 stars). 2 submissions from 2 submitters: Uncertain significance (2). Last evaluated 2021-02-19.

Allele frequency attached by ClinVar (database versions not stated): gnomAD exomes below 0.00001; gnomAD 0.00001; TOPMed 0.00001.
gnomAD v4.1: 3 of 1,614,000 alleles (0.00019%); highest among the groups gnomAD compares: Non-Finnish European, 0.00025%; no homozygotes.

Submissions (2):

Labcorp Genetics (formerly Invitae), Labcorp
Classification: Uncertain significance. Last evaluated: 2021-02-19. Review status: criteria provided, single submitter. Criteria: Invitae Variant Classification Sherloc (09022015). Collection method: clinical testing. Allele origin: germline.
Comment: Algorithms developed to predict the effect of missense changes on protein structure and function (SIFT, PolyPhen-2, Align-GVGD) all suggest that this variant is likely to be disruptive, but these predictions have not been confirmed by published functional studies and their clinical significance is uncertain. In summary, the available evidence is currently insufficient to determine the role of this variant in disease. Therefore, it has been classified as a Variant of Uncertain Significance. This variant has not been reported in the literature in individuals with PDE6C-related conditions. This variant is not present in population databases (ExAC no frequency). This sequence change replaces asparagine with histidine at codon 386 of the PDE6C protein (p.Asn386His). The asparagine residue is highly conserved and there is a small physicochemical difference between asparagine and histidine.

Blueprint Genetics
Classification: Uncertain significance. Last evaluated: 2020-04-07. Review status: criteria provided, single submitter. Criteria: ACMG Guidelines, 2015. Collection method: clinical testing. Allele origin: germline.

NM_006204.4(PDE6C):c.1156A>C (p.Asn386His)

Gene: PDE6C (phosphodiesterase 6C; plus strand). Cytogenetic location: 10q23.33.
Variant type: single nucleotide variant.
Coding change: c.1156A>C on transcript NM_006204.4 (MANE Select); coding-DNA position 1156, A replaced by C.
Protein change: p.Asn386His; replaces asparagine 386 with histidine.
Molecular consequence: missense variant.
Genome position (GRCh38, 1-based): chr10:93,634,794, A>C. VCF-style: chr10-93634794-A-C. GRCh37 (hg19) VCF-style: chr10-95394551-A-C.
Other names: short protein forms N386H.
Identifiers: ClinVar variation 1408560 (VCV001408560.9), dbSNP rs1168307813, ClinGen allele CA377613213.